The following is an entry in ClinVar:

NM_004104.5(FASN):c.1132G>A (p.Asp378Asn)

Gene: FASN (fatty acid synthase; minus strand). Cytogenetic location: 17q25.3.
Variant type: single nucleotide variant.
Coding change: c.1132G>A on transcript NM_004104.5 (MANE Select); coding-DNA position 1132, G replaced by A.
Protein change: p.Asp378Asn; replaces aspartic acid 378 with asparagine.
Molecular consequence: missense variant.
Genome position (GRCh38, 1-based): chr17:82,091,582, C>T on the plus strand (G>A on the coding strand, the complement: FASN is on the minus strand). VCF-style: chr17-82091582-C-T. GRCh37 (hg19) VCF-style: chr17-80049458-C-T.
Other names: short protein forms D378N.
Identifiers: ClinVar variation 2354297 (VCV002354297.3), dbSNP rs922899689, ClinGen allele CA295137919.

ClinVar aggregate classification (germline): Uncertain significance. Review status: criteria provided, multiple submitters, no conflicts (2 of 4 stars). 2 submissions from 2 submitters: Uncertain significance (2). Last evaluated 2025-08-15.

Conditions:
Epileptic encephalopathy. Identifiers: MedGen C0543888, HP:0200134.

Allele frequency attached by ClinVar (database versions not stated): gnomAD exomes below 0.00001; gnomAD 0.00002; TOPMed 0.00002.
gnomAD v4.1: 4 of 1,587,960 alleles (0.00025%); highest among the groups gnomAD compares: African/African-American, 0.0054%; no homozygotes.

Submissions (2):

Labcorp Genetics (formerly Invitae), Labcorp
Classification: Uncertain significance for Epileptic encephalopathy. Last evaluated: 2025-08-15. Review status: criteria provided, single submitter. Criteria: Invitae Variant Classification Sherloc (09022015). Collection method: clinical testing. Allele origin: germline.
Comment: This sequence change replaces aspartic acid, which is acidic and polar, with asparagine, which is neutral and polar, at codon 378 of the FASN protein (p.Asp378Asn). This variant is not present in population databases (gnomAD no frequency). This variant has not been reported in the literature in individuals affected with FASN-related conditions. ClinVar contains an entry for this variant (Variation ID: 2354297). An algorithm developed to predict the effect of missense changes on protein structure and function (PolyPhen-2) suggests that this variant is likely to be tolerated. In summary, the available evidence is currently insufficient to determine the role of this variant in disease. Therefore, it has been classified as a Variant of Uncertain Significance.

Ambry Genetics
Classification: Uncertain significance. Last evaluated: 2022-10-12. Review status: criteria provided, single submitter. Criteria: Ambry Variant Classification Scheme 2023. Collection method: clinical testing. Allele origin: germline.